The following is an entry in ClinVar:

ClinVar aggregate classification (germline): Benign/Likely benign. Review status: criteria provided, multiple submitters, no conflicts (2 of 4 stars). 3 submissions from 3 submitters: Benign (2); Likely benign (1). Last evaluated 2026-04-23.

Conditions:
SORL1-related disorder. Also called: SORL1-related condition.

Allele frequency attached by ClinVar (database versions not stated): ESP Exome Variant Server 0.00369; TOPMed 0.00377; 1000 Genomes Project 0.00399; 1000 Genomes Project 30x 0.00484.

Submissions (3):

PreventionGenetics, part of Exact Sciences
Classification: Benign for SORL1-related condition. Last evaluated: 2026-04-23. Review status: criteria provided, single submitter. Criteria: ACMG Guidelines, 2015. Collection method: clinical testing. Allele origin: germline.
Comment: This variant is classified as benign based on ACMG/AMP sequence variant interpretation guidelines (Richards et al. 2015 PMID: 25741868, with internal and published modifications).

Labcorp Genetics (formerly Invitae), Labcorp
Classification: Benign. Last evaluated: 2025-12-08. Review status: criteria provided, single submitter. Criteria: Invitae Variant Classification Sherloc (09022015). Collection method: clinical testing. Allele origin: germline.

Blueprint Genetics
Classification: Likely benign. Last evaluated: 2024-09-23. Review status: criteria provided, single submitter. Criteria: ACMG Guidelines, 2015. Collection method: clinical testing. Allele origin: germline.

NM_003105.6(SORL1):c.3666G>A (p.Thr1222=)

Gene: SORL1 (sortilin related receptor 1; plus strand). Cytogenetic location: 11q24.1.
Variant type: single nucleotide variant.
Coding change: c.3666G>A on transcript NM_003105.6 (MANE Select); coding-DNA position 3666, G replaced by A.
Protein change: p.Thr1222=; no amino-acid change (threonine 1222 retained).
Molecular consequence: synonymous variant.
Genome position (GRCh38, 1-based): chr11:121,583,543, G>A. VCF-style: chr11-121583543-G-A. GRCh37 (hg19) VCF-style: chr11-121454252-G-A.
Identifiers: ClinVar variation 788571 (VCV000788571.12), dbSNP rs141401572, ClinGen allele CA6329347.